The following is an entry in ClinVar:

NM_003482.4(KMT2D):c.6858G>C (p.Glu2286Asp)

Gene: KMT2D (lysine methyltransferase 2D; minus strand). Cytogenetic location: 12q13.12.
Variant type: single nucleotide variant.
Coding change: c.6858G>C on transcript NM_003482.4 (MANE Select); coding-DNA position 6858, G replaced by C.
Protein change: p.Glu2286Asp; replaces glutamic acid 2286 with aspartic acid.
Molecular consequence: missense variant.
Genome position (GRCh38, 1-based): chr12:49,040,912, C>G on the plus strand (G>C on the coding strand, the complement: KMT2D is on the minus strand). VCF-style: chr12-49040912-C-G. GRCh37 (hg19) VCF-style: chr12-49434695-C-G.
Other names: short protein forms E2286D.
Identifiers: ClinVar variation 4882756 (VCV004882756.2).
Genomic context (GRCh38, chr12:49,040,912, plus strand): 5'-AAAGCCCAGGTTTGGGGGCCCATAGCTAGGAGAGGATGCCCCAAGCTCTTCCTTCTTCAC[C>G]TCTAGGGCCTTCCGGGACTCCCCAAAAGGTGGGGGCGAGAGCAGGGGCTCGGAAGCTTTG-3'
Protein context (NP_003473.3, residues 2276-2296): PPFGESRKAL[Glu2286Asp]VKKEELGASS

ClinVar aggregate classification (germline): Uncertain significance (1 of 4 stars; one submission).

Conditions:
Kabuki syndrome 1 (KABUK1). Also called: KMT2D-Related Kabuki Syndrome. Identifiers: Orphanet 2322, MedGen CN030661, MONDO:0007843, OMIM 147920.

gnomAD v4.1: 1 of 1,613,836 alleles (0.000062%); highest among the groups gnomAD compares: Non-Finnish European, 0.000085%; no homozygotes.

Submission:

Dasa
Classification: Uncertain significance for Kabuki syndrome 1. Last evaluated: 2025-05-14. Review status: criteria provided, single submitter. Criteria: DASA Assertion Criteria. Collection method: clinical testing. Allele origin: germline.
Comment: NM_003482.4(KMT2D):c.6858G>C (p.Glu2286Asp) is a missense variant that results in the substitution of glutamic acid with aspartic acid. This variant is rare in population databases. Computational prediction algorithms are consistent with a benign effect. The currently available literature and clinical evidence are not sufficient to establish a definitive association between this variant and the reported condition. Therefore, this variant is classified as a variant of uncertain significance.